The following is an entry in ClinVar:

ClinVar aggregate classification (germline): Likely benign (1 of 4 stars; one submission).

Conditions:
Aplastic anemia. Identifiers: Orphanet 182040, Orphanet 88, MedGen C0002874, MONDO:0015909, OMIM 609135, HP:0001915.

Allele frequency attached by ClinVar (database versions not stated): gnomAD 0.00015 and 0.00016; 1000 Genomes Project 30x 0.00031; TOPMed 0.00031; 1000 Genomes Project 0.00040.

Submission:

Illumina Laboratory Services, Illumina
Classification: Likely benign for Aplastic anemia. Last evaluated: 2018-01-13. Review status: criteria provided, single submitter. Criteria: ICSL Variant Classification Criteria 13 December 2019. Collection method: clinical testing. Allele origin: germline.
Comment: This variant was observed in the ICSL laboratory as part of a predisposition screen in an ostensibly healthy population. It had not been previously curated by ICSL or reported in the Human Gene Mutation Database (HGMD: prior to June 1st, 2018), and was therefore a candidate for classification through an automated scoring system. Utilizing variant allele frequency, disease prevalence and penetrance estimates, and inheritance mode, an automated score was calculated to assess if this variant is too frequent to cause the disease. Based on the score and internal cut-off values, a variant classified as likely benign is not then subjected to further curation. The score for this variant resulted in a classification of likely benign for this disease.

NM_000619.3(IFNG):c.*500C>T

Gene: IFNG (interferon gamma; minus strand). Cytogenetic location: 12q15.
Variant type: single nucleotide variant.
Coding change: c.*500C>T on transcript NM_000619.3 (MANE Select); 500 bases downstream of the stop codon, C replaced by T.
Molecular consequence: 3 prime UTR variant.
Genome position (GRCh38, 1-based): chr12:68,154,853, G>A on the plus strand (C>T on the coding strand, the complement: IFNG is on the minus strand). VCF-style: chr12-68154853-G-A. GRCh37 (hg19) VCF-style: chr12-68548633-G-A.
Identifiers: ClinVar variation 310320 (VCV000310320.5), dbSNP rs528060683, ClinGen allele CA10638463.